The following is an entry in ClinVar:

ClinVar aggregate classification (germline): Pathogenic. Review status: criteria provided, multiple submitters, no conflicts (2 of 4 stars). 2 submissions from 2 submitters: Pathogenic (2). Last evaluated 2023-06-04.

Conditions:
Microcephaly, normal intelligence and immunodeficiency (NBS). Also called: IMMUNODEFICIENCY, MICROCEPHALY, AND CHROMOSOMAL INSTABILITY; Ataxia telangiectasia variant V1; SEEMANOVA SYNDROME II; BERLIN BREAKAGE SYNDROME; Nijmegen breakage syndrome; Microcephaly with normal intelligence immunodeficiency and lymphoreticular malignancies. Identifiers: Orphanet 647, MedGen C0398791, MONDO:0009623, OMIM 251260.
Hereditary cancer-predisposing syndrome. Also called: Hereditary neoplastic syndrome; Tumor predisposition; Neoplastic Syndromes, Hereditary; Hereditary Cancer Syndrome. Identifiers: Orphanet 140162, MedGen C0027672, MeSH D009386, MONDO:0015356.

Submissions (2):

Ambry Genetics
Classification: Pathogenic for Hereditary cancer-predisposing syndrome. Last evaluated: 2023-06-04. Review status: criteria provided, single submitter. Criteria: Ambry Variant Classification Scheme 2023. Collection method: clinical testing. Allele origin: germline.
Comment: The p.Q506* pathogenic mutation (also known as c.1516C>T), located in coding exon 11 of the NBN gene, results from a C to T substitution at nucleotide position 1516. This changes the amino acid from a glutamine to a stop codon within coding exon 11. This variant is considered to be rare based on population cohorts in the Genome Aggregation Database (gnomAD). This alteration is expected to result in loss of function by premature protein truncation or nonsense-mediated mRNA decay. As such, this alteration is interpreted as a disease-causing mutation.

Labcorp Genetics (formerly Invitae), Labcorp
Classification: Pathogenic for Microcephaly, normal intelligence and immunodeficiency. Last evaluated: 2021-10-18. Review status: criteria provided, single submitter. Criteria: Invitae Variant Classification Sherloc (09022015). Collection method: clinical testing. Allele origin: germline.
Comment: For these reasons, this variant has been classified as Pathogenic. ClinVar contains an entry for this variant (Variation ID: 955271). This variant has not been reported in the literature in individuals affected with NBN-related conditions. This variant is not present in population databases (gnomAD no frequency). This sequence change creates a premature translational stop signal (p.Gln506*) in the NBN gene. It is expected to result in an absent or disrupted protein product. Loss-of-function variants in NBN are known to be pathogenic (PMID: 9590180, 16415040).

Literature cited by the submitters: PubMed 9590180 (cited by Labcorp Genetics (formerly Invitae), Labcorp); PubMed 16415040 (cited by Labcorp Genetics (formerly Invitae), Labcorp).

NM_002485.5(NBN):c.1516C>T (p.Gln506Ter)

Gene: NBN (nibrin; minus strand). Cytogenetic location: 8q21.3.
Variant type: single nucleotide variant.
Coding change: c.1516C>T on transcript NM_002485.5 (MANE Select); coding-DNA position 1516, C replaced by T.
Protein change: p.Gln506Ter; replaces glutamine 506 with a stop codon.
Molecular consequence: nonsense.
Genome position (GRCh38, 1-based): chr8:89,953,573, G>A on the plus strand (C>T on the coding strand, the complement: NBN is on the minus strand). VCF-style: chr8-89953573-G-A. GRCh37 (hg19) VCF-style: chr8-90965801-G-A.
Other names: c.1270C>T, p.Gln424Ter (NM_001024688.3); short protein forms Q424*, Q506*.
Identifiers: ClinVar variation 955271 (VCV000955271.9), dbSNP rs876658535, ClinGen allele CA371655690.